The following is an entry in ClinVar:

NM_152703.5(SAMD9L):c.975G>A (p.Met325Ile)

Gene: SAMD9L (sterile alpha motif domain containing 9 like; minus strand). Cytogenetic location: 7q21.2.
Variant type: single nucleotide variant.
Coding change: c.975G>A on transcript NM_152703.5 (MANE Select); coding-DNA position 975, G replaced by A.
Protein change: p.Met325Ile; replaces methionine 325 with isoleucine.
Molecular consequence: missense variant.
Genome position (GRCh38, 1-based): chr7:93,134,997, C>T on the plus strand (G>A on the coding strand, the complement: SAMD9L is on the minus strand). VCF-style: chr7-93134997-C-T. GRCh37 (hg19) VCF-style: chr7-92764310-C-T.
Other names: c.975G>A, p.Met325Ile (NM_001303496.3, NM_001303497.3, NM_001303498.3 and 5 more transcripts); short protein forms M325I.
Identifiers: ClinVar variation 3316118 (VCV003316118.2).

ClinVar aggregate classification (germline): Uncertain significance (1 of 4 stars; one submission).

Conditions:
Inborn genetic diseases. Identifiers: MedGen C0950123, MeSH D030342.

gnomAD v4.1: 1 of 1,613,060 alleles (0.000062%); highest among the groups gnomAD compares: Non-Finnish European, 0.000085%; no homozygotes.

Submission:

Ambry Genetics
Classification: Uncertain significance for Inborn genetic diseases. Last evaluated: 2025-06-08. Review status: criteria provided, single submitter. Criteria: Ambry Variant Classification Scheme 2023. Collection method: clinical testing. Allele origin: germline.
Comment: The p.M325I variant (also known as c.975G>A), located in coding exon 1 of the SAMD9L gene, results from a G to A substitution at nucleotide position 975. The methionine at codon 325 is replaced by isoleucine, an amino acid with highly similar properties. This amino acid position is conserved. In addition, this alteration is predicted to be tolerated by in silico analysis. Based on the available evidence, the clinical significance of this variant remains unclear.